The following is an entry in ClinVar:

ClinVar aggregate classification (germline): Uncertain significance (1 of 4 stars; one submission).

Submission:

Quest Diagnostics Nichols Institute San Juan Capistrano
Classification: Uncertain significance. Last evaluated: 2025-02-17. Review status: criteria provided, single submitter. Criteria: Quest Diagnostics criteria. Collection method: clinical testing. Allele origin: unknown.
Comment: The PTCH1 c.2303C>A (p.Thr768Asn) variant has not been reported in individuals with PTCH1-related conditions in the published literature. It also has not been reported in large, multi-ethnic general populations (Genome Aggregation Database). Analysis of this variant using bioinformatics tools for the prediction of the effect of amino acid changes on protein structure and function yielded predictions that this variant is damaging. Based on the available information, we are unable to determine the clinical significance of this variant.

NM_000264.5(PTCH1):c.2303C>A (p.Thr768Asn)

Genes: PTCH1 (patched 1; minus strand), LOC100507346 (uncharacterized LOC100507346; plus strand). Cytogenetic location: 9q22.32.
Variant type: single nucleotide variant.
Coding change: c.2303C>A on transcript NM_000264.5 (MANE Select); coding-DNA position 2303, C replaced by A.
Protein change: p.Thr768Asn; replaces threonine 768 with asparagine.
Molecular consequence: missense variant. On other transcripts: non-coding transcript variant (1).
Genome position (GRCh38, 1-based): chr9:95,467,373, G>T on the plus strand (C>A on the coding strand, the complement: PTCH1 is on the minus strand). VCF-style: chr9-95467373-G-T. GRCh37 (hg19) VCF-style: chr9-98229655-G-T.
Other names: c.2105C>A, p.Thr702Asn (NM_001083602.3); c.2300C>A, p.Thr767Asn (NM_001083603.3); c.1850C>A, p.Thr617Asn (NM_001083604.3, NM_001083605.3, NM_001083606.3 and 1 more transcripts); c.2147C>A, p.Thr716Asn (NM_001354918.2); short protein forms T617N, T702N, T716N, T767N, T768N.
Identifiers: ClinVar variation 4532899 (VCV004532899.1).